The following is an entry in ClinVar:

ClinVar aggregate classification (germline): Uncertain significance (1 of 4 stars; one submission).

Submission:

Labcorp Genetics (formerly Invitae), Labcorp
Classification: Uncertain significance. Last evaluated: 2023-06-28. Review status: criteria provided, single submitter. Criteria: Invitae Variant Classification Sherloc (09022015). Collection method: clinical testing. Allele origin: germline.
Comment: In summary, the available evidence is currently insufficient to determine the role of this variant in disease. Therefore, it has been classified as a Variant of Uncertain Significance. Advanced modeling of protein sequence and biophysical properties (such as structural, functional, and spatial information, amino acid conservation, physicochemical variation, residue mobility, and thermodynamic stability) has been performed at Invitae for this missense variant, however the output from this modeling did not meet the statistical confidence thresholds required to predict the impact of this variant on HNF1B protein function. This variant has not been reported in the literature in individuals affected with HNF1B-related conditions. This variant is not present in population databases (gnomAD no frequency). This sequence change replaces valine, which is neutral and non-polar, with glycine, which is neutral and non-polar, at codon 139 of the HNF1B protein (p.Val139Gly).

NM_000458.4(HNF1B):c.416T>G (p.Val139Gly)

Gene: HNF1B (HNF1 homeobox B; minus strand). Cytogenetic location: 17q12.
Variant type: single nucleotide variant.
Coding change: c.416T>G on transcript NM_000458.4 (MANE Select); coding-DNA position 416, T replaced by G.
Protein change: p.Val139Gly; replaces valine 139 with glycine.
Molecular consequence: missense variant.
Genome position (GRCh38, 1-based): chr17:37,739,568, A>C on the plus strand (T>G on the coding strand, the complement: HNF1B is on the minus strand). VCF-style: chr17-37739568-A-C. GRCh37 (hg19) VCF-style: chr17-36099559-A-C.
Other names: c.416T>G, p.Val139Gly (NM_001165923.4, NM_001304286.2, NM_001411100.1); short protein forms V139G.
Identifiers: ClinVar variation 2731354 (VCV002731354.3), dbSNP rs2511829485, ClinGen allele CA398751523.